The following is an entry in ClinVar:

NM_017635.5(KMT5B):c.1762G>A (p.Glu588Lys)

Gene: KMT5B (lysine methyltransferase 5B; minus strand). Cytogenetic location: 11q13.2.
Variant type: single nucleotide variant.
Coding change: c.1762G>A on transcript NM_017635.5 (MANE Select); coding-DNA position 1762, G replaced by A.
Protein change: p.Glu588Lys; replaces glutamic acid 588 with lysine.
Molecular consequence: missense variant.
Genome position (GRCh38, 1-based): chr11:68,158,584, C>T on the plus strand (G>A on the coding strand, the complement: KMT5B is on the minus strand). VCF-style: chr11-68158584-C-T. GRCh37 (hg19) VCF-style: chr11-67926051-C-T.
Other names: c.1246G>A, p.Glu416Lys (NM_001300907.1, NM_001369428.1, NM_001369429.1 and 4 more transcripts); c.1042G>A, p.Glu348Lys (NM_001300908.2); c.1762G>A, p.Glu588Lys (NM_001369426.1); short protein forms E348K, E416K, E588K.
Identifiers: ClinVar variation 3388890 (VCV003388890.14).
Genomic context (GRCh38, chr11:68,158,584, plus strand): 5'-CTGTGTCACTCTTATGACACTTTGCCTCCCCTTTTTGTGCAGTCTCATGAGCCAGTTCTT[C>T]CTCCTGCAGCACAGGAGCTGGCTGCAGCTGTTCACCACTGTCGGGGCAAGGTTCCGTCAC-3'
Protein context (NP_060105.3, residues 578-598): QLQPAPVLQE[Glu588Lys]ELAHETAQKG

ClinVar aggregate classification (germline): Likely benign (1 of 4 stars; one submission).

gnomAD v4.1: 2 of 1,614,178 alleles (0.00012%); highest among the groups gnomAD compares: African/African-American, 0.0013%; no homozygotes.

Submission:

CeGaT Center for Human Genetics Tuebingen
Classification: Likely benign. Last evaluated: 2024-10-01. Review status: criteria provided, single submitter. Criteria: CeGaT Center For Human Genetics Tuebingen Variant Classification Criteria Version 2. Collection method: clinical testing. Allele origin: germline. Affected: yes. Observed: 1 variant allele.
Comment: KMT5B: BP4